The following is an entry in ClinVar:

NM_001077350.3(NPRL3):c.1545-19A>G

Gene: NPRL3 (NPR3 like, GATOR1 complex subunit; minus strand). Cytogenetic location: 16p13.3.
Variant type: single nucleotide variant.
Coding change: c.1545-19A>G on transcript NM_001077350.3 (MANE Select); 19 bases into the intron before coding-DNA position 1545, A replaced by G.
Molecular consequence: intron variant.
Genome position (GRCh38, 1-based): chr16:86,889, T>C on the plus strand (A>G on the coding strand, the complement: NPRL3 is on the minus strand). VCF-style: chr16-86889-T-C. GRCh37 (hg19) VCF-style: chr16-136888-T-C.
Other names: c.1311-19A>G (NM_001243247.2); c.1470-19A>G (NM_001243248.2, NM_001243249.2); c.1008-19A>G (NM_001039476.3).
Identifiers: ClinVar variation 1631816 (VCV001631816.11), dbSNP rs743725, ClinGen allele CA7769277.

ClinVar aggregate classification (germline): Benign. Review status: criteria provided, multiple submitters, no conflicts (2 of 4 stars). 3 submissions from 3 submitters: Benign (3). Last evaluated 2026-02-04.

Conditions:
Epilepsy, familial focal, with variable foci 3 (FFEVF3). Identifiers: MedGen C4310708, MONDO:0014925, OMIM 617118.

Allele frequency attached by ClinVar (database versions not stated): 1000 Genomes Project 30x 0.72564; 1000 Genomes Project 0.72624; gnomAD 0.74458 and 0.74964; TOPMed 0.74510; ESP Exome Variant Server 0.75709; ExAC 0.80268; gnomAD exomes 0.81277.
gnomAD v4.1: 1,294,879 of 1,606,368 alleles (81%); highest among the groups gnomAD compares: Admixed American, 86%; 524,519 homozygotes.

Submissions (3):

Labcorp Genetics (formerly Invitae), Labcorp
Classification: Benign for Epilepsy, familial focal, with variable foci 3. Last evaluated: 2026-02-04. Review status: criteria provided, single submitter. Criteria: Invitae Variant Classification Sherloc (09022015). Collection method: clinical testing. Allele origin: germline.

Unidad de Genómica Garrahan, Hospital de Pediatría Garrahan
Classification: Benign. Last evaluated: 2024-07-31. Review status: criteria provided, single submitter. Criteria: ACMG Guidelines, 2015. Collection method: clinical testing. Allele origin: germline. Affected: no. Observed: 89 variant alleles.
Comment: This variant is classified as Benign based on local population frequency. This variant was detected in 96% of patients studied in a panel designed for Epileptic and Developmental Encephalopathy, Progressive Myoclonus Epilepsy and Abnormal Movements and Neurodegeneration with brain iron accumulation. Number of patients: 89. Only high quality variants are reported.

Breakthrough Genomics
Classification: Benign. Review status: criteria provided, single submitter. Criteria: ACMG Guidelines, 2015. Collection method: not provided. Allele origin: germline. Inheritance: Autosomal dominant inheritance. Affected: yes.